The following is an entry in ClinVar:

ClinVar aggregate classification (germline): Pathogenic (1 of 4 stars; one submission).

Conditions:
Retinoblastoma (RB1). Also called: RETINOBLASTOMA, SOMATIC. Identifiers: Orphanet 790, MedGen C0035335, MeSH D012175, MONDO:0008380, OMIM 180200, HP:0009919. Disease mechanism: loss of function. Inheritance: Both sporadic and heritable forms are tested..

Submission:

Labcorp Genetics (formerly Invitae), Labcorp
Classification: Pathogenic for Retinoblastoma. Last evaluated: 2018-12-06. Review status: criteria provided, single submitter. Criteria: Invitae Variant Classification Sherloc (09022015). Collection method: clinical testing. Allele origin: germline.
Comment: This sequence change creates a premature translational stop signal (p.Gly802Valfs*5) in the RB1 gene. It is expected to result in an absent or disrupted protein product. This variant is not present in population databases (ExAC no frequency). This variant has not been reported in the literature in individuals with RB1-related conditions. Loss-of-function variants in RB1 are known to be pathogenic (PMID: 17096365). For these reasons, this variant has been classified as Pathogenic.

Literature cited by the submitters: PubMed 17096365.

NM_000321.3(RB1):c.2405_2414del (p.Gly802fs)

Gene: RB1 (RB transcriptional corepressor 1; plus strand). Cytogenetic location: 13q14.2.
Variant type: Deletion.
Coding change: c.2405_2414del on transcript NM_000321.3 (MANE Select); coding-DNA positions 2405 to 2414, 10 bases deleted (GGAACATCTA; older notation c.2405_2414delGGAACATCTA).
Protein change: p.Gly802fs; shifts the reading frame from glycine 802.
Molecular consequence: frameshift variant.
Genome position (GRCh38, 1-based): chr13:48,465,284-48,465,293, GGAACATCTA deleted. VCF-style (leftmost placement, unchanged base first): chr13-48465283-GGGAACATCTA-G. GRCh37 (hg19) VCF-style: chr13-49039419-GGGAACATCTA-G.
Other names: c.2405_2414delGGAACATCTA (NM_000321.2); short protein forms G802fs.
Identifiers: ClinVar variation 655598 (VCV000655598.6), dbSNP rs1593539435, ClinGen allele CA915948573.
Genomic context (GRCh38, chr13:48,465,283, plus strand): 5'-ATACCTCACATTCCTCGAAGCCCTTACAAGTTTCCTAGTTCACCCTTACGGATTCCTGGA[GGGAACATCTA>G]TATTTCACCCCTGAAGAGTCCATATAAAATTTCAGAAGGTCTGCCAACACCAACAAAAAT-3'